The following is an entry in ClinVar:

NM_139282.3(RHOXF1):c.89C>T (p.Ala30Val)

Genes: RHOXF1 (Rhox homeobox family member 1; minus strand), RHOXF1-AS1 (RHOXF1 antisense RNA 1; plus strand). Cytogenetic location: Xq24.
Variant type: single nucleotide variant.
Coding change: c.89C>T on transcript NM_139282.3 (MANE Select); coding-DNA position 89, C replaced by T.
Protein change: p.Ala30Val; replaces alanine 30 with valine.
Molecular consequence: missense variant.
Genome position (GRCh38, 1-based): chrX:120,115,774, G>A on the plus strand (C>T on the coding strand, the complement: RHOXF1 is on the minus strand). VCF-style: chrX-120115774-G-A. GRCh37 (hg19) VCF-style: chrX-119249684-G-A.
Other names: short protein forms A30V.
Identifiers: ClinVar variation 5028241 (VCV005028241.1).

ClinVar aggregate classification (germline): Uncertain significance (1 of 4 stars; one submission).

gnomAD v4.1: 2 of 1,204,696 alleles (0.00017%); highest among the groups gnomAD compares: African/African-American, 0.0035%; no homozygotes.

Submission:

Ambry Genetics
Classification: Uncertain significance. Last evaluated: 2026-06-23. Review status: criteria provided, single submitter. Criteria: Ambry Variant Classification Scheme 2023. Collection method: clinical testing. Allele origin: germline.
Comment: The c.89C>T (p.A30V) alteration is located in exon 1 (coding exon 1) of the RHOXF1 gene. This alteration results from a C to T substitution at nucleotide position 89, causing the alanine (A) at amino acid position 30 to be replaced by a valine (V). Based on data from gnomAD, the T allele has an overall frequency of 0.001% (2/180430) total alleles studied. The highest observed frequency was 0.015% (2/13008) of African alleles. Based on insufficient or conflicting evidence, the clinical significance of this alteration remains unclear.